The following is an entry in ClinVar:

ClinVar aggregate classification (germline): Likely pathogenic. Review status: reviewed by expert panel (3 of 4 stars). 5 submissions from 5 submitters: Likely pathogenic (1). 4 of the submissions do not count toward it. Last evaluated 2025-03-10.

Conditions:
Alpha-actinopathy. Also called: Actinopathy. Identifiers: MedGen CN295279, MONDO:0100084.
Actin accumulation myopathy (CMYO2A). Also called: CONGENITAL MYOPATHY 2A, TYPICAL, AUTOSOMAL DOMINANT; Myopathy, actin, congenital, with cores; Nemaline myopathy 3, with intranuclear rods; Nemaline myopathy type 3; Myopathy, actin, congenital, with excess of thin myofilaments. Identifiers: Orphanet 98904, MedGen C3711389, MONDO:0008070, OMIM 161800.

Submissions (5):

ClinGen Congenital Myopathies Variant Curation Expert Panel, ClinGen
Classification: Likely pathogenic for Alpha-actinopathy. Last evaluated: 2025-03-10. Review status: reviewed by expert panel. Criteria: ClinGen CongenMyopathy ACMG Specifications ACTA1_AD_ V2.0.0. Collection method: curation. Allele origin: germline. Inheritance: Autosomal dominant inheritance.
Comment: The variant NM_001100.4:c.442G>A in ACTA1 is a missense variant predicted to cause substitution of glycine by serine at amino acid 148 (p.Gly148Ser). The variant is absent from gnomAD v4.1.0 (PM2_Supporting). The REVEL computational prediction analysis tool produced a score of 0.935, which is above the threshold necessary to apply PP3. ACTA1, in which the variant was identified, is defined by the ClinGen Congenital Myopathies VCEP as a gene that has a low rate of benign missense variation and where pathogenic missense variants are a common mechanism of disease (PP2). Two different missense variants, p.Gly148Arg and p.Gly148Val (Variation IDs: 280732 and 2582809), in the same codon have been classified as likely pathogenic for alpha-actinopathy by the ClinGen Congenital Myopathies VCEP (PM5 applied to p.Gly148Val). This variant has been reported in 3 probands with alpha-actinopathy, and one of these probands had a de novo occurrence of the variant with parental relationships unconfirmed (PS4_Supporting, PM6; PMIDs: 19562689, 32222963. SCV000680134.1). In summary, this variant meets the criteria to be classified as likely pathogenic for AD alpha-actinopathy. ACMG/AMP criteria met, as specified by the Congenital Myopathies VCEP (Specification Version 2.0.0): PM2_Supporting, PP3, PP2, PS4_Supporting, PM6 (ClinGen Congenital Myopathies VCEP specifications version 2.0.0; 3/10/2025).

GeneDx
Classification: Pathogenic. Last evaluated: 2025-11-16. Review status: criteria provided, single submitter. Criteria: GeneDx Variant Classification Process June 2021. Collection method: clinical testing. Allele origin: germline. Affected: yes. Not counted in ClinVar's aggregate classification.
Comment: Not observed at significant frequency in large population cohorts (gnomAD); In silico analysis supports that this missense variant has a deleterious effect on protein structure/function; Missense variants in this gene are a common cause of disease and they are underrepresented in the general population; This variant is associated with the following publications: (PMID: 19562689, 32222963)

Revvity Omics, Revvity
Classification: Uncertain significance. Last evaluated: 2024-03-15. Review status: criteria provided, single submitter. Criteria: ACMG Guidelines, 2015. Collection method: clinical testing. Allele origin: germline. Not counted in ClinVar's aggregate classification.

Institute of Human Genetics Munich, TUM University Hospital
Classification: Likely pathogenic for Actin accumulation myopathy. Last evaluated: 2017-09-08. Review status: criteria provided, single submitter. Criteria: Classification criteria August 2017. Collection method: clinical testing. Allele origin: de novo. Inheritance: Autosomal dominant inheritance. Affected: yes. Observed: 1 heterozygote. Not counted in ClinVar's aggregate classification.

Eurofins Ntd Llc (ga)
Classification: Likely pathogenic. Last evaluated: 2012-10-22. Review status: criteria provided, single submitter. Criteria: EGL Classification Definitions. Collection method: clinical testing. Allele origin: germline. Observed: 1 variant allele, 1 heterozygote. Not counted in ClinVar's aggregate classification.

NM_001100.4(ACTA1):c.442G>A (p.Gly148Ser)

Gene: ACTA1 (actin alpha 1, skeletal muscle; minus strand). Cytogenetic location: 1q42.13.
Variant type: single nucleotide variant.
Coding change: c.442G>A on transcript NM_001100.4 (MANE Select); coding-DNA position 442, G replaced by A.
Protein change: p.Gly148Ser; replaces glycine 148 with serine.
Molecular consequence: missense variant.
Genome position (GRCh38, 1-based): chr1:229,432,568, C>T on the plus strand (G>A on the coding strand, the complement: ACTA1 is on the minus strand). VCF-style: chr1-229432568-C-T. GRCh37 (hg19) VCF-style: chr1-229568315-C-T.
Other names: NM_001100.4(ACTA1):c.442G>A.
Identifiers: ClinVar variation 93549 (VCV000093549.13), dbSNP rs398123563, ClinGen allele CA221485.